The following is an entry in ClinVar:

NM_002291.3(LAMB1):c.3114G>C (p.Glu1038Asp)

Gene: LAMB1 (laminin subunit beta 1; minus strand). Cytogenetic location: 7q31.1.
Variant type: single nucleotide variant.
Coding change: c.3114G>C on transcript NM_002291.3 (MANE Select); coding-DNA position 3114, G replaced by C.
Protein change: p.Glu1038Asp; replaces glutamic acid 1038 with aspartic acid.
Molecular consequence: missense variant.
Genome position (GRCh38, 1-based): chr7:107,952,189, C>G on the plus strand (G>C on the coding strand, the complement: LAMB1 is on the minus strand). VCF-style: chr7-107952189-C-G. GRCh37 (hg19) VCF-style: chr7-107592634-C-G.
Other names: short protein forms E1038D.
Identifiers: ClinVar variation 2720495 (VCV002720495.3), dbSNP rs772449977, ClinGen allele CA4435426.

ClinVar aggregate classification (germline): Uncertain significance (1 of 4 stars; one submission).

Allele frequency attached by ClinVar (database versions not stated): gnomAD exomes below 0.00001; TOPMed below 0.00001; ExAC 0.00002.
gnomAD v4.1: 6 of 1,611,084 alleles (0.00037%); highest among the groups gnomAD compares: Admixed American, 0.005%; no homozygotes.

Submission:

Labcorp Genetics (formerly Invitae), Labcorp
Classification: Uncertain significance. Last evaluated: 2025-08-18. Review status: criteria provided, single submitter. Criteria: Invitae Variant Classification Sherloc (09022015). Collection method: clinical testing. Allele origin: germline.
Comment: This sequence change replaces glutamic acid, which is acidic and polar, with aspartic acid, which is acidic and polar, at codon 1038 of the LAMB1 protein (p.Glu1038Asp). This variant is present in population databases (rs772449977, gnomAD 0.009%). This variant has not been reported in the literature in individuals affected with LAMB1-related conditions. ClinVar contains an entry for this variant (Variation ID: 2720495). An algorithm developed to predict the effect of missense changes on protein structure and function outputs the following: PolyPhen-2: "Benign". The aspartic acid amino acid residue is found in multiple mammalian species, which suggests that this missense change does not adversely affect protein function. In summary, the available evidence is currently insufficient to determine the role of this variant in disease. Therefore, it has been classified as a Variant of Uncertain Significance.